The following is an entry in ClinVar:

ClinVar aggregate classification (germline): Likely benign (1 of 4 stars; one submission).

gnomAD v4.1: 148 of 1,603,570 alleles (0.0092%); highest among the groups gnomAD compares: Middle Eastern, 0.066%; 1 homozygote.

Submission:

CeGaT Center for Human Genetics Tuebingen
Classification: Likely benign. Last evaluated: 2025-01-01. Review status: criteria provided, single submitter. Criteria: CeGaT Center For Human Genetics Tuebingen Variant Classification Criteria Version 2. Collection method: clinical testing. Allele origin: germline. Affected: yes. Observed: 3 variant alleles.
Comment: FGFR1: BP4, BP7

NM_023110.3(FGFR1):c.936+57G>A

Gene: FGFR1 (fibroblast growth factor receptor 1; minus strand). Cytogenetic location: 8p11.23.
Variant type: single nucleotide variant.
Coding change: c.936+57G>A on transcript NM_023110.3 (MANE Select); 57 bases into the intron after coding-DNA position 936, G replaced by A.
Molecular consequence: intron variant.
Genome position (GRCh38, 1-based): chr8:38,424,452, C>T on the plus strand (G>A on the coding strand, the complement: FGFR1 is on the minus strand). VCF-style: chr8-38424452-C-T. GRCh37 (hg19) VCF-style: chr8-38281970-C-T.
Other names: c.663+57G>A (NM_001354368.2, NM_001354370.2, NM_023106.3); c.669+57G>A (NM_023105.3, NM_001174066.2); c.930+57G>A (NM_001354367.2, NM_015850.4, NM_001354369.2 and 2 more transcripts); c.936+57G>A (NM_001174063.2); c.912+57G>A (NM_001174064.2); c.1029+57G>A (NM_001174067.2).
Identifiers: ClinVar variation 3388476 (VCV003388476.14).